The following is an entry in ClinVar:

ClinVar aggregate classification (germline): Pathogenic. Review status: reviewed by expert panel (3 of 4 stars). 3 submissions from 3 submitters: Pathogenic (1). 2 of the submissions do not count toward it. Last evaluated 2016-10-18.

Conditions:
Hereditary cancer-predisposing syndrome. Also called: Neoplastic Syndromes, Hereditary; Tumor predisposition; Hereditary neoplastic syndrome; Hereditary Cancer Syndrome. Identifiers: Orphanet 140162, MedGen C0027672, MeSH D009386, MONDO:0015356.
Breast-ovarian cancer, familial, susceptibility to, 2 (BROVCA2). Also called: BRCA2 Hereditary Breast and Ovarian Cancer. Identifiers: Orphanet 145, MedGen C2675520, MONDO:0012933, OMIM 612555. Disease mechanism: loss of function.

Allele frequency attached by ClinVar (database versions not stated): gnomAD exomes below 0.00001.
gnomAD v4.1: 1 of 1,613,858 alleles (0.000062%); highest among the groups gnomAD compares: South Asian, 0.0011%; no homozygotes.

Submissions (3):

Evidence-based Network for the Interpretation of Germline Mutant Alleles (ENIGMA)
Classification: Pathogenic for Breast-ovarian cancer, familial, susceptibility to, 2. Last evaluated: 2016-10-18. Review status: reviewed by expert panel. Criteria: ENIGMA BRCA1/2 Classification Criteria (2015). Collection method: curation. Allele origin: germline.
Comment: Variant allele predicted to encode a truncated non-functional protein.

Ambry Genetics
Classification: Pathogenic for Hereditary cancer-predisposing syndrome. Last evaluated: 2020-02-06. Review status: criteria provided, single submitter. Criteria: Ambry Variant Classification Scheme 2023. Collection method: clinical testing. Allele origin: germline. Not counted in ClinVar's aggregate classification.
Comment: The p.E2028* pathogenic mutation (also known as c.6082G>T), located in coding exon 10 of the BRCA2 gene, results from a G to T substitution at nucleotide position 6082. This changes the amino acid from a glutamic acid to a stop codon within coding exon 10. This alteration was identified in a large, worldwide study of BRCA1/2 mutation positive families and in 2/2139 Korean patients with hereditary breast cancer (Rebbeck TR et al. Hum. Mutat., 2018 05;39:593-620; Kim H et al. Breast Cancer Res. Treat., 2012 Aug;134:1315-26). In addition to the information presented in the literature, this alteration is expected to result in loss of function by premature protein truncation or nonsense-mediated mRNA decay. As such, this alteration is interpreted as a disease-causing mutation.

Consortium of Investigators of Modifiers of BRCA1/2 (CIMBA), c/o University of Cambridge
Classification: Pathogenic for Breast-ovarian cancer, familial, susceptibility to, 2. Last evaluated: 2015-10-02. Review status: criteria provided, single submitter. Criteria: CIMBA Mutation Classification guidelines May 2016. Collection method: clinical testing. Allele origin: germline. Not counted in ClinVar's aggregate classification.

Literature cited by the submitters: PubMed 22798144 (cited by Ambry Genetics); PubMed 29446198 (cited by Ambry Genetics).

NM_000059.4(BRCA2):c.6082G>T (p.Glu2028Ter)

Gene: BRCA2 (BRCA2 DNA repair associated; plus strand). Cytogenetic location: 13q13.1.
Variant type: single nucleotide variant.
Coding change: c.6082G>T on transcript NM_000059.4 (MANE Select); coding-DNA position 6082, G replaced by T.
Protein change: p.Glu2028Ter; replaces glutamic acid 2028 with a stop codon.
Molecular consequence: nonsense.
Genome position (GRCh38, 1-based): chr13:32,340,437, G>T. VCF-style: chr13-32340437-G-T. GRCh37 (hg19) VCF-style: chr13-32914574-G-T.
Other names: 6310G>T; short protein forms E2028*.
Identifiers: ClinVar variation 52006 (VCV000052006.9), dbSNP rs397507827, ClinGen allele CA023631.